The following is an entry in ClinVar:

ClinVar aggregate classification (germline): Uncertain significance (1 of 4 stars; one submission).

Submission:

GeneDx
Classification: Uncertain significance. Last evaluated: 2025-01-30. Review status: criteria provided, single submitter. Criteria: GeneDx Variant Classification Process June 2021. Collection method: clinical testing. Allele origin: germline. Affected: yes.
Comment: Not observed at significant frequency in large population cohorts (gnomAD); In silico analysis indicates that this missense variant does not alter protein structure/function; Has not been previously published as pathogenic or benign to our knowledge

NM_004523.4(KIF11):c.2555G>A (p.Ser852Asn)

Gene: KIF11 (kinesin family member 11; plus strand). Cytogenetic location: 10q23.33.
Variant type: single nucleotide variant.
Coding change: c.2555G>A on transcript NM_004523.4 (MANE Select); coding-DNA position 2555, G replaced by A.
Protein change: p.Ser852Asn; replaces serine 852 with asparagine.
Molecular consequence: missense variant.
Genome position (GRCh38, 1-based): chr10:92,648,219, G>A. VCF-style: chr10-92648219-G-A. GRCh37 (hg19) VCF-style: chr10-94407976-G-A.
Other names: short protein forms S852N.
Identifiers: ClinVar variation 4072483 (VCV004072483.1).